The following is an entry in ClinVar:

ClinVar aggregate classification (germline): Uncertain significance. Review status: criteria provided, multiple submitters, no conflicts (2 of 4 stars). 2 submissions from 2 submitters: Uncertain significance (2). Last evaluated 2024-05-27.

Allele frequency attached by ClinVar (database versions not stated): gnomAD exomes 0.00001; gnomAD 0.00003 and 0.00004; TOPMed 0.00004.
gnomAD v4.1: 19 of 1,613,876 alleles (0.0012%); highest among the groups gnomAD compares: African/African-American, 0.0067%; no homozygotes.

Submissions (2):

Labcorp Genetics (formerly Invitae), Labcorp
Classification: Uncertain significance. Last evaluated: 2024-05-27. Review status: criteria provided, single submitter. Criteria: Invitae Variant Classification Sherloc (09022015). Collection method: clinical testing. Allele origin: germline.
Comment: This sequence change replaces arginine, which is basic and polar, with glutamine, which is neutral and polar, at codon 214 of the LRRC8A protein (p.Arg214Gln). This variant is present in population databases (no rsID available, gnomAD 0.004%). This variant has not been reported in the literature in individuals affected with LRRC8A-related conditions. ClinVar contains an entry for this variant (Variation ID: 1354254). An algorithm developed to predict the effect of missense changes on protein structure and function (PolyPhen-2) suggests that this variant is likely to be tolerated. In summary, the available evidence is currently insufficient to determine the role of this variant in disease. Therefore, it has been classified as a Variant of Uncertain Significance.

Ambry Genetics
Classification: Uncertain significance. Last evaluated: 2021-10-22. Review status: criteria provided, single submitter. Criteria: Ambry Variant Classification Scheme 2023. Collection method: clinical testing. Allele origin: germline.

NM_019594.4(LRRC8A):c.641G>A (p.Arg214Gln)

Gene: LRRC8A (leucine rich repeat containing 8 VRAC subunit A; plus strand). Cytogenetic location: 9q34.11.
Variant type: single nucleotide variant.
Coding change: c.641G>A on transcript NM_019594.4 (MANE Select); coding-DNA position 641, G replaced by A.
Protein change: p.Arg214Gln; replaces arginine 214 with glutamine.
Molecular consequence: missense variant.
Genome position (GRCh38, 1-based): chr9:128,907,805, G>A. VCF-style: chr9-128907805-G-A. GRCh37 (hg19) VCF-style: chr9-131670084-G-A.
Other names: c.641G>A, p.Arg214Gln (NM_001127244.2, NM_001127245.2); c.641G>A (NM_001127244.1); short protein forms R214Q.
Identifiers: ClinVar variation 1354254 (VCV001354254.7), dbSNP rs902618895, ClinGen allele CA200414970.
Genomic context (GRCh38, chr9:128,907,805, plus strand): 5'-TGGACAAAAAGTCATCGACCGTCAGTGAGGACGTGGAGGCCACCGTGCCCATGCTGCAGC[G>A]GACCAAGTCACGGATCGAGCAGGGTATCGTGGACCGCTCAGAGACGGGCGTGCTGGACAA-3'
Protein context (NP_062540.2, residues 204-224): DVEATVPMLQ[Arg214Gln]TKSRIEQGIV